The following is an entry in ClinVar:

NM_015335.5(MED13L):c.1316A>G (p.Asn439Ser)

Gene: MED13L (mediator complex subunit 13L; minus strand). Cytogenetic location: 12q24.21.
Variant type: single nucleotide variant.
Coding change: c.1316A>G on transcript NM_015335.5 (MANE Select); coding-DNA position 1316, A replaced by G.
Protein change: p.Asn439Ser; replaces asparagine 439 with serine.
Molecular consequence: missense variant.
Genome position (GRCh38, 1-based): chr12:116,009,097, T>C on the plus strand (A>G on the coding strand, the complement: MED13L is on the minus strand). VCF-style: chr12-116009097-T-C. GRCh37 (hg19) VCF-style: chr12-116446902-T-C.
Other names: short protein forms N439S.
Identifiers: ClinVar variation 697213 (VCV000697213.10), dbSNP rs189898124, ClinGen allele CA6811425.

ClinVar aggregate classification (germline): Likely benign. Review status: criteria provided, multiple submitters, no conflicts (2 of 4 stars). 3 submissions from 3 submitters: Likely benign (2). 1 of the submissions does not count toward it. Last evaluated 2025-11-10.

Conditions:
MED13L-related disorder. Also called: MED13L-related condition.
Inborn genetic diseases. Identifiers: MedGen C0950123, MeSH D030342.
Dextro-looped transposition of the great arteries. Also called: Dextrotransposition of the great arteries. Identifiers: Orphanet 860, MedGen C3531771, MONDO:0019443, OMIM 608808, HP:0031348.

Allele frequency attached by ClinVar (database versions not stated): gnomAD exomes 0.00003 and 0.00009; ExAC 0.00011; gnomAD 0.00019 and 0.00020; ESP Exome Variant Server 0.00023; TOPMed 0.00024; 1000 Genomes Project 0.00080; 1000 Genomes Project 30x 0.00094.
gnomAD v4.1: 70 of 1,614,062 alleles (0.0043%); highest among the groups gnomAD compares: African/African-American, 0.079%; no homozygotes.

Submissions (3):

Labcorp Genetics (formerly Invitae), Labcorp
Classification: Likely benign for Dextro-looped transposition of the great arteries. Last evaluated: 2025-11-10. Review status: criteria provided, single submitter. Criteria: Invitae Variant Classification Sherloc (09022015). Collection method: clinical testing. Allele origin: germline.

Ambry Genetics
Classification: Likely benign for Inborn genetic diseases. Last evaluated: 2024-04-20. Review status: criteria provided, single submitter. Criteria: Ambry Variant Classification Scheme 2023. Collection method: clinical testing. Allele origin: germline.

PreventionGenetics, part of Exact Sciences
Classification: Likely benign for MED13L-related condition. Last evaluated: 2021-01-05. Review status: no assertion criteria provided. Collection method: clinical testing. Allele origin: germline. Not counted in ClinVar's aggregate classification.
Comment: This variant is classified as likely benign based on ACMG/AMP sequence variant interpretation guidelines (Richards et al. 2015 PMID: 25741868, with internal and published modifications).